The following is an entry in ClinVar:

ClinVar aggregate classification (germline): Uncertain significance. Review status: criteria provided, multiple submitters, no conflicts (2 of 4 stars). 3 submissions from 3 submitters: Uncertain significance (2). 1 of the submissions does not count toward it. Last evaluated 2024-11-11.

Conditions:
Inborn genetic diseases. Identifiers: MedGen C0950123, MeSH D030342.
Zellweger spectrum disorders (ZS). Also called: Zellweger Spectrum Disorder; Zellweger Spectrum; Zellweger syndrome; Zellweger Spectrum Disorder (ZSD). Identifiers: Orphanet 912, MedGen C0043459, MONDO:0019609.
Peroxisome biogenesis disorder 5A (Zellweger) (PBD5A). Identifiers: Orphanet 912, MedGen C3553940, MONDO:0013932, OMIM 614866.

Allele frequency attached by ClinVar (database versions not stated): gnomAD 0.00001; TOPMed 0.00001; ExAC 0.00002; gnomAD exomes 0.00002; ESP Exome Variant Server 0.00008.
gnomAD v4.1: 35 of 1,613,814 alleles (0.0022%); highest among the groups gnomAD compares: South Asian, 0.0044%; no homozygotes.

Submissions (3):

Labcorp Genetics (formerly Invitae), Labcorp
Classification: Uncertain significance for Peroxisome biogenesis disorder 5A (Zellweger). Last evaluated: 2024-11-11. Review status: criteria provided, single submitter. Criteria: Invitae Variant Classification Sherloc (09022015). Collection method: clinical testing. Allele origin: germline.
Comment: This sequence change replaces alanine, which is neutral and non-polar, with valine, which is neutral and non-polar, at codon 8 of the PEX2 protein (p.Ala8Val). This variant is present in population databases (rs148428490, gnomAD 0.004%). This variant has not been reported in the literature in individuals affected with PEX2-related conditions. ClinVar contains an entry for this variant (Variation ID: 1063228). An algorithm developed to predict the effect of missense changes on protein structure and function outputs the following: PolyPhen-2: "Benign". The valine amino acid residue is found in multiple mammalian species, which suggests that this missense change does not adversely affect protein function. In summary, the available evidence is currently insufficient to determine the role of this variant in disease. Therefore, it has been classified as a Variant of Uncertain Significance.

Ambry Genetics
Classification: Uncertain significance for Inborn genetic diseases. Last evaluated: 2023-07-25. Review status: criteria provided, single submitter. Criteria: Ambry Variant Classification Scheme 2023. Collection method: clinical testing. Allele origin: germline.

Natera, Inc.
Classification: Uncertain significance for Zellweger syndrome. Last evaluated: 2020-09-03. Review status: no assertion criteria provided. Collection method: clinical testing. Allele origin: germline. Not counted in ClinVar's aggregate classification.

NM_000318.3(PEX2):c.23C>T (p.Ala8Val)

Gene: PEX2 (peroxisomal biogenesis factor 2; minus strand). Cytogenetic location: 8q21.13.
Variant type: single nucleotide variant.
Coding change: c.23C>T on transcript NM_000318.3 (MANE Select); coding-DNA position 23, C replaced by T.
Protein change: p.Ala8Val; replaces alanine 8 with valine.
Molecular consequence: missense variant.
Genome position (GRCh38, 1-based): chr8:76,984,156, G>A on the plus strand (C>T on the coding strand, the complement: PEX2 is on the minus strand). VCF-style: chr8-76984156-G-A. GRCh37 (hg19) VCF-style: chr8-77896392-G-A.
Other names: c.23C>T (NM_000318.2); c.23C>T, p.Ala8Val (NM_001079867.2, NM_001172086.2, NM_001172087.2); short protein forms A8V.
Identifiers: ClinVar variation 1063228 (VCV001063228.10), dbSNP rs148428490, ClinGen allele CA4788782.